The following is an entry in ClinVar:

NM_182758.4(WDR72):c.3149-17738A>G

Gene: WDR72 (WD repeat domain 72; minus strand). Cytogenetic location: 15q21.3.
Variant type: single nucleotide variant.
Coding change: c.3149-17738A>G on transcript NM_182758.4 (MANE Select); 17738 bases into the intron before coding-DNA position 3149, A replaced by G.
Molecular consequence: intron variant. On other transcripts: synonymous variant (1), non-coding transcript variant (1).
Genome position (GRCh38, 1-based): chr15:53,541,060, T>C on the plus strand (A>G on the coding strand, the complement: WDR72 is on the minus strand). VCF-style: chr15-53541060-T-C. GRCh37 (hg19) VCF-style: chr15-53833257-T-C.
Other names: c.21A>G, p.Pro7= (NM_001277176.2).
Identifiers: ClinVar variation 3060377 (VCV003060377.2), dbSNP rs7164808, ClinGen allele CA14154501.

ClinVar aggregate classification (germline): Benign (0 of 4 stars; one submission).

Conditions:
WDR72-related disorder. Also called: WDR72-related condition.

Allele frequency attached by ClinVar (database versions not stated): 1000 Genomes Project 30x 0.21190; TOPMed 0.24712.

Submission:

PreventionGenetics, part of Exact Sciences
Classification: Benign for WDR72-related condition. Last evaluated: 2024-07-18. Review status: no assertion criteria provided. Collection method: clinical testing. Allele origin: germline.
Comment: This variant is classified as benign based on ACMG/AMP sequence variant interpretation guidelines (Richards et al. 2015 PMID: 25741868, with internal and published modifications).